The following is an entry in ClinVar:

ClinVar aggregate classification (germline): Pathogenic (1 of 4 stars; one submission).

Conditions:
Hyperinsulinemic hypoglycemia, familial, 1 (HHF1). Also called: HYPERINSULINISM, FAMILIAL, WITH PANCREATIC NESIDIOBLASTOSIS; HYPOGLYCEMIA, HYPERINSULINEMIC, OF INFANCY; NESIDIOBLASTOSIS OF PANCREAS; Persistent Hyperinsulinemia Hypoglycemia of Infancy; Persistent hyperinsulinemic hypoglycemia of infancy. Identifiers: Orphanet 276575, Orphanet 276598, MedGen C2931832, MONDO:0009734, OMIM 256450.

Submission:

Myriad Genetics, Inc.
Classification: Pathogenic for Hyperinsulinemic hypoglycemia, familial, 1. Last evaluated: 2023-08-14. Review status: criteria provided, single submitter. Criteria: Myriad Autosomal Dominant, Autosomal Recessive and X-Linked Classification Criteria (2023). Collection method: clinical testing. Allele origin: unknown.
Comment: NM_000352.3(ABCC8):c.4062_4065dupCAGC(S1356Qfs*51) is expected to be pathogenic in the context of familial hyperinsulinism, ABCC8-related. This variant is predicted to lead to an abnormal or absent protein product due to the creation of a premature termination codon in ABCC8, a gene where loss-of-function variants are known to be pathogenic. Please note: this variant was assessed in the context of healthy population screening.

NM_000352.6(ABCC8):c.4062_4065dup (p.Ser1356fs)

Gene: ABCC8 (ATP binding cassette subfamily C member 8; minus strand). Cytogenetic location: 11p15.1.
Variant type: Duplication.
Coding change: c.4062_4065dup on transcript NM_000352.6 (MANE Select); coding-DNA positions 4062 to 4065, 4 bases duplicated (CAGC; older notation c.4062_4065dupCAGC).
Protein change: p.Ser1356fs; shifts the reading frame from serine 1356.
Molecular consequence: frameshift variant. On other transcripts: non-coding transcript variant (1).
Genome position (GRCh38, 1-based): chr11:17,396,970-17,396,973, GCTG duplicated on the plus strand (CAGC on the coding strand, the reverse complement: ABCC8 is on the minus strand). VCF-style (leftmost placement, unchanged base first): chr11-17396969-A-AGCTG. GRCh37 (hg19) VCF-style: chr11-17418516-A-AGCTG.
Other names: c.4065_4068dup, p.Ser1357fs (NM_001287174.3); c.4128_4131dup, p.Ser1378fs (NM_001351295.2); c.4062_4065dup, p.Ser1356fs (NM_001351296.2); c.4059_4062dup, p.Ser1355fs (NM_001351297.2); short protein forms S1355fs, S1356fs, S1357fs, S1378fs.
Identifiers: ClinVar variation 5011344 (VCV005011344.1).